The following is an entry in ClinVar:

NM_001127208.3(TET2):c.1709C>T (p.Pro570Leu)

Genes: TET2 (tet methylcytosine dioxygenase 2; plus strand), TET2-AS1 (TET2 antisense RNA 1; minus strand). Cytogenetic location: 4q24.
Variant type: single nucleotide variant.
Coding change: c.1709C>T on transcript NM_001127208.3 (MANE Select); coding-DNA position 1709, C replaced by T.
Protein change: p.Pro570Leu; replaces proline 570 with leucine.
Molecular consequence: missense variant.
Genome position (GRCh38, 1-based): chr4:105,235,651, C>T. VCF-style: chr4-105235651-C-T. GRCh37 (hg19) VCF-style: chr4-106156808-C-T.
Other names: c.1709C>T, p.Pro570Leu (NM_017628.4); short protein forms P570L.
Identifiers: ClinVar variation 3806114 (VCV003806114.1).

ClinVar aggregate classification (germline): Uncertain significance (1 of 4 stars; one submission).

gnomAD v4.1: 1 of 1,614,142 alleles (0.000062%); highest among the groups gnomAD compares: Non-Finnish European, 0.000085%; no homozygotes.

Submission:

Ambry Genetics
Classification: Uncertain significance. Last evaluated: 2025-03-10. Review status: criteria provided, single submitter. Criteria: Ambry Variant Classification Scheme 2023. Collection method: clinical testing. Allele origin: germline.
Comment: The p.P570L variant (also known as c.1709C>T), located in coding exon 1 of the TET2 gene, results from a C to T substitution at nucleotide position 1709. The proline at codon 570 is replaced by leucine, an amino acid with similar properties. This amino acid position is conserved. In addition, this alteration is predicted to be tolerated by in silico analysis. Based on the available evidence, the clinical significance of this variant remains unclear.